The following is an entry in ClinVar:

NM_182493.3(MYLK3):c.68C>T (p.Thr23Ile)

Gene: MYLK3 (myosin light chain kinase 3; minus strand). Cytogenetic location: 16q11.2.
Variant type: single nucleotide variant.
Coding change: c.68C>T on transcript NM_182493.3 (MANE Select); coding-DNA position 68, C replaced by T.
Protein change: p.Thr23Ile; replaces threonine 23 with isoleucine.
Molecular consequence: missense variant. On other transcripts: intron variant (1).
Genome position (GRCh38, 1-based): chr16:46,748,126, G>A on the plus strand (C>T on the coding strand, the complement: MYLK3 is on the minus strand). VCF-style: chr16-46748126-G-A. GRCh37 (hg19) VCF-style: chr16-46782038-G-A.
Other names: c.-113-7979C>T (NM_001308301.1); short protein forms T23I.
Identifiers: ClinVar variation 2750005 (VCV002750005.3), dbSNP rs2548911606, ClinGen allele CA395799226.

ClinVar aggregate classification (germline): Uncertain significance (1 of 4 stars; one submission).

Submission:

Labcorp Genetics (formerly Invitae), Labcorp
Classification: Uncertain significance. Last evaluated: 2023-08-04. Review status: criteria provided, single submitter. Criteria: Invitae Variant Classification Sherloc (09022015). Collection method: clinical testing. Allele origin: germline.
Comment: This sequence change replaces threonine, which is neutral and polar, with isoleucine, which is neutral and non-polar, at codon 23 of the MYLK3 protein (p.Thr23Ile). This variant is not present in population databases (gnomAD no frequency). This variant has not been reported in the literature in individuals affected with MYLK3-related conditions. An algorithm developed to predict the effect of missense changes on protein structure and function (PolyPhen-2) suggests that this variant is likely to be tolerated. In summary, the available evidence is currently insufficient to determine the role of this variant in disease. Therefore, it has been classified as a Variant of Uncertain Significance.